The following is an entry in ClinVar:

NM_001378183.1(PIEZO2):c.7952+8C>T

Gene: PIEZO2 (piezo type mechanosensitive ion channel component 2; minus strand). Cytogenetic location: 18p11.22.
Variant type: single nucleotide variant.
Coding change: c.7952+8C>T on transcript NM_001378183.1 (MANE Select); 8 bases into the intron after coding-DNA position 7952, C replaced by T.
Molecular consequence: intron variant.
Genome position (GRCh38, 1-based): chr18:10,680,191, G>A on the plus strand (C>T on the coding strand, the complement: PIEZO2 is on the minus strand). VCF-style: chr18-10680191-G-A. GRCh37 (hg19) VCF-style: chr18-10680188-G-A.
Other names: c.7613+8C>T (NM_022068.4); c.7688+8C>T (NM_001410871.1).
Identifiers: ClinVar variation 3352857 (VCV003352857.2).

ClinVar aggregate classification (germline): Likely benign. Review status: criteria provided, single submitter (1 of 4 stars). 2 submissions from 2 submitters: Likely benign (1). 1 of the submissions does not count toward it. Last evaluated 2025-10-08.

Conditions:
PIEZO2-related disorder. Also called: PIEZO2-related condition; PIEZO2-related disorders.

gnomAD v4.1: 89 of 1,603,598 alleles (0.0056%); highest among the groups gnomAD compares: South Asian, 0.094%; no homozygotes.

Submissions (2):

Labcorp Genetics (formerly Invitae), Labcorp
Classification: Likely benign. Last evaluated: 2025-10-08. Review status: criteria provided, single submitter. Criteria: Invitae Variant Classification Sherloc (09022015). Collection method: clinical testing. Allele origin: germline.

PreventionGenetics, part of Exact Sciences
Classification: Likely benign for PIEZO2-related condition. Last evaluated: 2019-04-25. Review status: no assertion criteria provided. Collection method: clinical testing. Allele origin: germline. Not counted in ClinVar's aggregate classification.
Comment: This variant is classified as likely benign based on ACMG/AMP sequence variant interpretation guidelines (Richards et al. 2015 PMID: 25741868, with internal and published modifications).